The following is an entry in ClinVar:

ClinVar aggregate classification (germline): Uncertain significance (1 of 4 stars; one submission).

Conditions:
Nephrotic syndrome, type 21. Identifiers: MedGen C5231498, MONDO:0032826, OMIM 618594.

Submission:

Diagnostics Services (NGS), CSIR - Centre For Cellular And Molecular Biology
Classification: Uncertain significance for Nephrotic syndrome, type 21. Last evaluated: 2022-04-06. Review status: criteria provided, single submitter. Criteria: ACMG Guidelines, 2015. Collection method: clinical testing. Allele origin: unknown. Inheritance: Autosomal recessive inheritance. Affected: yes. Observed: 1 variant allele, 1 heterozygote.
Comment: The c.431A>T variant is not present in publicly available population databases like 1000 Genomes, Exome Variant Server (EVS), Exome Aggregation Consortium (ExAC), Genome Aggregation Database (gnomAD) and Indian Exome Database. The variant is also not present in our in-house exome database. The variant was not previously reported to Clinvar, Human Genome Mutation Database (HGMD) and/or OMIM databases, in any affected individuals. Predictions from different in-silico pathogenicity prediction programs like SIFT, PolyPhen-2, MutationTaster2, CADD, Varsome etc. are contradictory, however these predictions were not confirmed by any published functional studies.

NM_006576.4(AVIL):c.431A>T (p.Asn144Ile)

Gene: AVIL (advillin; minus strand). Cytogenetic location: 12q14.1.
Variant type: single nucleotide variant.
Coding change: c.431A>T on transcript NM_006576.4 (MANE Select); coding-DNA position 431, A replaced by T.
Protein change: p.Asn144Ile; replaces asparagine 144 with isoleucine.
Molecular consequence: missense variant.
Genome position (GRCh38, 1-based): chr12:57,811,035, T>A on the plus strand (A>T on the coding strand, the complement: AVIL is on the minus strand). VCF-style: chr12-57811035-T-A. GRCh37 (hg19) VCF-style: chr12-58204818-T-A.
Other names: short protein forms N144I.
Identifiers: ClinVar variation 1691301 (VCV001691301.4), dbSNP rs2140456079, ClinGen allele CA385555691.